The following is an entry in ClinVar:

NM_002382.5(MAX):c.212T>A (p.Ile71Asn)

Gene: MAX (MYC associated transcriptional regulator X; minus strand). Cytogenetic location: 14q23.3.
Variant type: single nucleotide variant.
Coding change: c.212T>A on transcript NM_002382.5 (MANE Select); coding-DNA position 212, T replaced by A.
Protein change: p.Ile71Asn; replaces isoleucine 71 with asparagine.
Molecular consequence: missense variant. On other transcripts: 5 prime UTR variant (1), intron variant (2).
Genome position (GRCh38, 1-based): chr14:65,077,996, A>T on the plus strand (T>A on the coding strand, the complement: MAX is on the minus strand). VCF-style: chr14-65077996-A-T. GRCh37 (hg19) VCF-style: chr14-65544714-A-T.
Other names: c.-63T>A (NM_001320415.2, NM_001407105.1, NM_001407106.1 and 1 more transcripts); c.212T>A, p.Ile71Asn (NM_001407094.1, NM_001407096.1, NM_001407097.1 and 3 more transcripts); c.185T>A, p.Ile62Asn (NM_001407095.1, NM_001407099.1, NM_001407100.1 and 6 more transcripts); c.104T>A, p.Ile35Asn (NM_001407098.1); c.-156T>A (NM_001407111.1, NM_001407112.1); c.144+15712T>A (NM_001271069.2); c.171+15712T>A (NM_197957.4); short protein forms I71N, I62N, I35N.
Identifiers: ClinVar variation 232198 (VCV000232198.6), dbSNP rs876659610, ClinGen allele CA10579867.

ClinVar aggregate classification (germline): Likely pathogenic (1 of 4 stars; one submission).

Conditions:
Hereditary cancer-predisposing syndrome. Also called: Neoplastic Syndromes, Hereditary; Tumor predisposition; Hereditary Cancer Syndrome; Hereditary neoplastic syndrome. Identifiers: Orphanet 140162, MedGen C0027672, MeSH D009386, MONDO:0015356.

Submission:

Ambry Genetics
Classification: Likely pathogenic for Hereditary cancer-predisposing syndrome. Last evaluated: 2015-06-04. Review status: criteria provided, single submitter. Criteria: Ambry Variant Classification Scheme 2023. Collection method: clinical testing. Allele origin: germline.
Comment: The p.I71N variant (also known as c.212T>A), located in coding exon 4 of the MAX gene, results from a T to A substitution at nucleotide position 212. The isoleucine at codon 71 is replaced by asparagine, an amino acid with dissimilar properties. This variant sits at the MAX-MYC dimerization interface and is anticipated to result in a significant decrease in structural stability (Ambry Internal Structural Analysis). This variant was not reported in population based cohorts in the following databases: Database of Single Nucleotide Polymorphisms (dbSNP), NHLBI Exome Sequencing Project (ESP), and 1000 Genomes Project. In the ESP, this variant was not observed in 6503 samples (13006 alleles) with coverage at this position. To date, this alteration has been detected with an allele frequency of approximately 0.02% (greater than 4500 alleles tested) in our clinical cohort. Based on protein sequence alignment, this amino acid position is highly conserved in available vertebrate species. In addition, this alteration is predicted to be deleterious by in silico analysis. Based on the majority of available evidence to date, this variant is likely to be pathogenic.

Literature cited by the submitters: PubMed 22452945.